The following is an entry in ClinVar:

NM_004145.4(MYO9B):c.381G>A (p.Ala127=)

Gene: MYO9B (myosin IXB; plus strand). Cytogenetic location: 19p13.11.
Variant type: single nucleotide variant.
Coding change: c.381G>A on transcript NM_004145.4 (MANE Select); coding-DNA position 381, G replaced by A.
Protein change: p.Ala127=; no amino-acid change (alanine 127 retained).
Molecular consequence: synonymous variant.
Genome position (GRCh38, 1-based): chr19:17,102,098, G>A. VCF-style: chr19-17102098-G-A. GRCh37 (hg19) VCF-style: chr19-17212908-G-A.
Other names: c.381G>A, p.Ala127= (NM_001130065.2).
Identifiers: ClinVar variation 2649531 (VCV002649531.24), dbSNP rs771901012, ClinGen allele CA9286951.

ClinVar aggregate classification (germline): Likely benign (1 of 4 stars; one submission).

Allele frequency attached by ClinVar (database versions not stated): gnomAD 0.00003; ExAC 0.00013.
gnomAD v4.1: 58 of 1,612,850 alleles (0.0036%); highest among the groups gnomAD compares: East Asian, 0.065%; no homozygotes.

Submission:

CeGaT Center for Human Genetics Tuebingen
Classification: Likely benign. Last evaluated: 2022-07-01. Review status: criteria provided, single submitter. Criteria: CeGaT Center For Human Genetics Tuebingen Variant Classification Criteria Version 2. Collection method: clinical testing. Allele origin: germline. Affected: yes. Observed: 1 variant allele.
Comment: MYO9B: BP4, BP7